The following is an entry in ClinVar:

NM_017780.4(CHD7):c.8800A>T (p.Ser2934Cys)

Gene: CHD7 (chromodomain helicase DNA binding protein 7; plus strand). Cytogenetic location: 8q12.2.
Variant type: single nucleotide variant.
Coding change: c.8800A>T on transcript NM_017780.4 (MANE Select); coding-DNA position 8800, A replaced by T.
Protein change: p.Ser2934Cys; replaces serine 2934 with cysteine.
Molecular consequence: missense variant.
Genome position (GRCh38, 1-based): chr8:60,865,739, A>T. VCF-style: chr8-60865739-A-T. GRCh37 (hg19) VCF-style: chr8-61778298-A-T.
Other names: c.2653A>T, p.Ser885Cys (NM_001316690.1); short protein forms S2934C, S885C.
Identifiers: ClinVar variation 3698758 (VCV003698758.2).

ClinVar aggregate classification (germline): Uncertain significance (1 of 4 stars; one submission).

Conditions:
CHARGE syndrome (CHARGE). Also called: Hittner Hirsch Kreh syndrome; CHARGE ASSOCIATION--COLOBOMA, HEART ANOMALY, CHOANAL ATRESIA, RETARDATION, GENITAL AND EAR ANOMALIES; Coloboma, heart anomaly, choanal atresia, retardation, genital and ear anomalies; CHARGE association; Hall-Hittner syndrome. Identifiers: Orphanet 138, MedGen C0265354, MONDO:0008965.

gnomAD v4.1: 2 of 1,611,976 alleles (0.00012%); highest among the groups gnomAD compares: Non-Finnish European, 0.00017%; no homozygotes.

Submission:

Labcorp Genetics (formerly Invitae), Labcorp
Classification: Uncertain significance for CHARGE syndrome. Last evaluated: 2024-03-27. Review status: criteria provided, single submitter. Criteria: Invitae Variant Classification Sherloc (09022015). Collection method: clinical testing. Allele origin: germline.
Comment: This sequence change replaces serine, which is neutral and polar, with cysteine, which is neutral and slightly polar, at codon 2934 of the CHD7 protein (p.Ser2934Cys). This variant is not present in population databases (gnomAD no frequency). This variant has not been reported in the literature in individuals affected with CHD7-related conditions. Advanced modeling of protein sequence and biophysical properties (such as structural, functional, and spatial information, amino acid conservation, physicochemical variation, residue mobility, and thermodynamic stability) performed at Invitae indicates that this missense variant is not expected to disrupt CHD7 protein function with a negative predictive value of 95%. In summary, the available evidence is currently insufficient to determine the role of this variant in disease. Therefore, it has been classified as a Variant of Uncertain Significance.